The following is an entry in ClinVar:

ClinVar aggregate classification (germline): Uncertain significance (1 of 4 stars; one submission).

Allele frequency attached by ClinVar (database versions not stated): gnomAD exomes below 0.00001; TOPMed 0.00001.
gnomAD v4.1: 7 of 1,613,972 alleles (0.00043%); highest among the groups gnomAD compares: African/African-American, 0.004%; no homozygotes.

Submission:

Labcorp Genetics (formerly Invitae), Labcorp
Classification: Uncertain significance. Last evaluated: 2025-06-02. Review status: criteria provided, single submitter. Criteria: Invitae Variant Classification Sherloc (09022015). Collection method: clinical testing. Allele origin: germline.
Comment: This sequence change replaces leucine, which is neutral and non-polar, with proline, which is neutral and non-polar, at codon 91 of the XPR1 protein (p.Leu91Pro). This variant is present in population databases (no rsID available, gnomAD 0.004%). This variant has not been reported in the literature in individuals affected with XPR1-related conditions. ClinVar contains an entry for this variant (Variation ID: 2967846). Invitae Evidence Modeling of protein sequence and biophysical properties (such as structural, functional, and spatial information, amino acid conservation, physicochemical variation, residue mobility, and thermodynamic stability) indicates that this missense variant is expected to disrupt XPR1 protein function with a positive predictive value of 80%. In summary, the available evidence is currently insufficient to determine the role of this variant in disease. Therefore, it has been classified as a Variant of Uncertain Significance.

NM_004736.4(XPR1):c.272T>C (p.Leu91Pro)

Gene: XPR1 (xenotropic and polytropic retrovirus receptor 1; plus strand). Cytogenetic location: 1q25.3.
Variant type: single nucleotide variant.
Coding change: c.272T>C on transcript NM_004736.4 (MANE Select); coding-DNA position 272, T replaced by C.
Protein change: p.Leu91Pro; replaces leucine 91 with proline.
Molecular consequence: missense variant. On other transcripts: non-coding transcript variant (1).
Genome position (GRCh38, 1-based): chr1:180,803,436, T>C. VCF-style: chr1-180803436-T-C. GRCh37 (hg19) VCF-style: chr1-180772572-T-C.
Other names: c.272T>C, p.Leu91Pro (NM_001135669.2, NM_001328662.2); short protein forms L91P.
Identifiers: ClinVar variation 2967846 (VCV002967846.3), dbSNP rs1358497638, ClinGen allele CA343842988.